The following is an entry in ClinVar:

NM_007294.4(BRCA1):c.5151C>A (p.Phe1717Leu)

Gene: BRCA1 (BRCA1 DNA repair associated; minus strand). Cytogenetic location: 17q21.31.
Variant type: single nucleotide variant.
Coding change: c.5151C>A on transcript NM_007294.4 (MANE Select); coding-DNA position 5151, C replaced by A.
Protein change: p.Phe1717Leu; replaces phenylalanine 1717 with leucine.
Molecular consequence: missense variant. On other transcripts: non-coding transcript variant (1).
Genome position (GRCh38, 1-based): chr17:43,063,875, G>T on the plus strand (C>A on the coding strand, the complement: BRCA1 is on the minus strand). VCF-style: chr17-43063875-G-T. GRCh37 (hg19) VCF-style: chr17-41215892-G-T.
Other names: c.4938C>A, p.Phe1646Leu (NM_001407571.1, NM_001407894.1, NM_001407895.1 and 12 more transcripts); c.5217C>A, p.Phe1739Leu (NM_001407581.1, NM_001407582.1); c.5214C>A, p.Phe1738Leu (NM_001407583.1, NM_001407585.1, NM_001407587.1 and 1 more transcripts); c.5211C>A, p.Phe1737Leu (NM_001407590.1, NM_001407591.1); c.5151C>A, p.Phe1717Leu (NM_001407593.1, NM_001407594.1, NM_001407596.1 and 7 more transcripts); c.5148C>A, p.Phe1716Leu (NM_001407617.1, NM_001407618.1, NM_001407619.1 and 17 more transcripts); c.5145C>A, p.Phe1715Leu (NM_001407636.1, NM_001407637.1, NM_001407638.1 and 14 more transcripts); c.5142C>A, p.Phe1714Leu (NM_001407644.1, NM_001407645.1); and 71 more; short protein forms F1738L, F1670L, F1717L, F613L, F1548L, F1604L, F1606L, F1629L.
Identifiers: ClinVar variation 865026 (VCV000865026.3), dbSNP rs2051906420, ClinGen allele CA10591245.
Genomic context (GRCh38, chr17:43,063,875, plus strand): 5'-TGTAAAAATGCAATTCTGAGGTGTTAAAGGGAGGAGGGGAGAAATAGTATTATACTTACA[G>T]AAATAGCTAACTACCCATTTTCCTCCCGCAATTCCTAGAAAATATTTCAGTGTCCGTTCA-3'
Protein context (NP_009225.1, residues 1707-1727): IAGGKWVVSY[Phe1717Leu]WVTQSIKERK

Conditions:
Breast-ovarian cancer, familial, susceptibility to, 1 (BROVCA1). Also called: BRCA1 Hereditary Breast and Ovarian Cancer; OVARIAN CANCER, SUSCEPTIBILITY TO. Identifiers: Orphanet 145, MedGen C2676676, MONDO:0011450, OMIM 604370. Disease mechanism: loss of function.

Submission:

Brotman Baty Institute, University of Washington
No classification provided (evidence only). Condition: Breast-ovarian cancer, familial 1. Review status: no classification provided. Collection method: in vitro. Allele origin: not applicable. Functional consequence: functionally_normal.
ClinVar note: "not provided" was previously submitted as the classification for the variant. However, the classification appeared to be based only on an observation of functional data so it was converted to no classification on 2025-07-30.